The following is an entry in ClinVar:

NM_144701.3(IL23R):c.823A>C (p.Thr275Pro)

Gene: IL23R (interleukin 23 receptor; plus strand). Cytogenetic location: 1p31.3.
Variant type: single nucleotide variant.
Coding change: c.823A>C on transcript NM_144701.3 (MANE Select); coding-DNA position 823, A replaced by C.
Protein change: p.Thr275Pro; replaces threonine 275 with proline.
Molecular consequence: missense variant.
Genome position (GRCh38, 1-based): chr1:67,219,598, A>C. VCF-style: chr1-67219598-A-C. GRCh37 (hg19) VCF-style: chr1-67685281-A-C.
Other names: short protein forms T275P.
Identifiers: ClinVar variation 2079048 (VCV002079048.4), dbSNP rs2525409218, ClinGen allele CA340731031.

ClinVar aggregate classification (germline): Uncertain significance (1 of 4 stars; one submission).

Submission:

Labcorp Genetics (formerly Invitae), Labcorp
Classification: Uncertain significance. Last evaluated: 2022-08-10. Review status: criteria provided, single submitter. Criteria: Invitae Variant Classification Sherloc (09022015). Collection method: clinical testing. Allele origin: germline.
Comment: This variant is not present in population databases (gnomAD no frequency). This variant has not been reported in the literature in individuals affected with IL23R-related conditions. Algorithms developed to predict the effect of missense changes on protein structure and function output the following: SIFT: "Tolerated"; PolyPhen-2: "Benign"; Align-GVGD: "Class C0". The proline amino acid residue is found in multiple mammalian species, which suggests that this missense change does not adversely affect protein function. This sequence change replaces threonine, which is neutral and polar, with proline, which is neutral and non-polar, at codon 275 of the IL23R protein (p.Thr275Pro). In summary, the available evidence is currently insufficient to determine the role of this variant in disease. Therefore, it has been classified as a Variant of Uncertain Significance.